The following is an entry in ClinVar:

ClinVar aggregate classification (germline): Conflicting classifications of pathogenicity. Review status: criteria provided, conflicting classifications (1 of 4 stars). 3 submissions from 3 submitters: Uncertain significance (1); Likely benign (2). Last evaluated 2025-12-01.

Conditions:
PHF3-related disorder. Also called: PHF3-related condition.

Allele frequency attached by ClinVar (database versions not stated): 1000 Genomes Project 30x 0.00016; 1000 Genomes Project 0.00020; ExAC 0.00077; gnomAD 0.00118; ESP Exome Variant Server 0.00162.
gnomAD v4.1: 2,391 of 1,494,262 alleles (0.16%); highest among the groups gnomAD compares: Admixed American, 0.24%; 2 homozygotes.

Submissions (3):

CeGaT Center for Human Genetics Tuebingen
Classification: Likely benign. Last evaluated: 2025-12-01. Review status: criteria provided, single submitter. Criteria: CeGaT Center For Human Genetics Tuebingen Variant Classification Criteria Version 2. Collection method: clinical testing. Allele origin: germline. Affected: yes. Observed: 1 variant allele.
Comment: PHF3: BP4

PreventionGenetics, part of Exact Sciences
Classification: Likely benign for PHF3-related condition. Last evaluated: 2024-11-20. Review status: criteria provided, single submitter. Criteria: ACMG Guidelines, 2015. Collection method: clinical testing. Allele origin: germline.
Comment: This variant is classified as likely benign based on ACMG/AMP sequence variant interpretation guidelines (Richards et al. 2015 PMID: 25741868, with internal and published modifications).

Ambry Genetics
Classification: Uncertain significance. Last evaluated: 2021-07-20. Review status: criteria provided, single submitter. Criteria: Ambry Variant Classification Scheme 2023. Collection method: clinical testing. Allele origin: germline.

NM_001370348.2(PHF3):c.2668G>C (p.Ala890Pro)

Gene: PHF3 (PHD finger protein 3; plus strand). Cytogenetic location: 6q12.
Variant type: single nucleotide variant.
Coding change: c.2668G>C on transcript NM_001370348.2 (MANE Select); coding-DNA position 2668, G replaced by C.
Protein change: p.Ala890Pro; replaces alanine 890 with proline.
Molecular consequence: missense variant.
Genome position (GRCh38, 1-based): chr6:63,694,752, G>C. VCF-style: chr6-63694752-G-C. GRCh37 (hg19) VCF-style: chr6-64404642-G-C.
Other names: c.2668G>C (NM_015153.3); c.2404G>C, p.Ala802Pro (NM_001290259.2, NM_001370349.2); c.475G>C, p.Ala159Pro (NM_001370350.2); c.2668G>C, p.Ala890Pro (NM_015153.4); short protein forms A802P, A159P, A890P.
Identifiers: ClinVar variation 2375798 (VCV002375798.8), dbSNP rs35547668, ClinGen allele CA3875949.